The following is an entry in ClinVar:

NM_015072.5(TTLL5):c.1607A>G (p.Lys536Arg)

Gene: TTLL5 (tubulin tyrosine ligase like 5; plus strand). Cytogenetic location: 14q24.3.
Variant type: single nucleotide variant.
Coding change: c.1607A>G on transcript NM_015072.5 (MANE Select); coding-DNA position 1607, A replaced by G.
Protein change: p.Lys536Arg; replaces lysine 536 with arginine.
Molecular consequence: missense variant.
Genome position (GRCh38, 1-based): chr14:75,764,671, A>G. VCF-style: chr14-75764671-A-G. GRCh37 (hg19) VCF-style: chr14-76231014-A-G.
Other names: short protein forms K536R.
Identifiers: ClinVar variation 1359516 (VCV001359516.8), dbSNP rs1382142246, ClinGen allele CA390466343.

ClinVar aggregate classification (germline): Uncertain significance (1 of 4 stars; one submission).

Allele frequency attached by ClinVar (database versions not stated): gnomAD exomes below 0.00001; TOPMed below 0.00001.
gnomAD v4.1: 3 of 1,614,172 alleles (0.00019%); highest among the groups gnomAD compares: Non-Finnish European, 0.00017%; no homozygotes.

Submission:

Labcorp Genetics (formerly Invitae), Labcorp
Classification: Uncertain significance. Last evaluated: 2021-01-12. Review status: criteria provided, single submitter. Criteria: Invitae Variant Classification Sherloc (09022015). Collection method: clinical testing. Allele origin: germline.
Comment: This sequence change replaces lysine with arginine at codon 536 of the TTLL5 protein (p.Lys536Arg). The lysine residue is moderately conserved and there is a small physicochemical difference between lysine and arginine. This variant is not present in population databases (ExAC no frequency). This variant has not been reported in the literature in individuals with TTLL5-related conditions. Algorithms developed to predict the effect of missense changes on protein structure and function output the following: SIFT: "Tolerated"; PolyPhen-2: "Benign"; Align-GVGD: "Class C0". The arginine amino acid residue is found in multiple mammalian species, suggesting that this missense change does not adversely affect protein function. These predictions have not been confirmed by published functional studies and their clinical significance is uncertain. In summary, the available evidence is currently insufficient to determine the role of this variant in disease. Therefore, it has been classified as a Variant of Uncertain Significance.